The following is an entry in ClinVar:

NM_000136.3(FANCC):c.-79+7G>T

Gene: FANCC (FA complementation group C; minus strand). Cytogenetic location: 9q22.32.
Variant type: single nucleotide variant.
Coding change: c.-79+7G>T on transcript NM_000136.3 (MANE Select); 7 bases into the intron after 79 bases upstream of the start codon, G replaced by T.
Molecular consequence: intron variant.
Genome position (GRCh38, 1-based): chr9:95,317,519, C>A on the plus strand (G>T on the coding strand, the complement: FANCC is on the minus strand). VCF-style: chr9-95317519-C-A. GRCh37 (hg19) VCF-style: chr9-98079801-C-A.
Other names: c.-79+7G>T (NM_001243744.2).
Identifiers: ClinVar variation 758710 (VCV000758710.15), dbSNP rs551170090, ClinGen allele CA196952513.

ClinVar aggregate classification (germline): Benign/Likely benign. Review status: criteria provided, multiple submitters, no conflicts (2 of 4 stars). 4 submissions from 4 submitters: Benign (1); Likely benign (2). 1 of the submissions does not count toward it. Last evaluated 2026-01-28.

Conditions:
Fanconi anemia (FA). Also called: Fanconi's anemia. Identifiers: Orphanet 84, MedGen C0015625, MeSH D005199, MONDO:0019391.
FANCC-related disorder. Also called: FANCC-related condition.

Allele frequency attached by ClinVar (database versions not stated): gnomAD 0.00019; TOPMed 0.00031; 1000 Genomes Project 0.00040; 1000 Genomes Project 30x 0.00047.
gnomAD v4.1: 30 of 152,436 alleles (0.02%); highest among the groups gnomAD compares: African/African-American, 0.06%; no homozygotes.

Submissions (4):

Labcorp Genetics (formerly Invitae), Labcorp
Classification: Likely benign for Fanconi anemia. Last evaluated: 2026-01-28. Review status: criteria provided, single submitter. Criteria: Invitae Variant Classification Sherloc (09022015). Collection method: clinical testing. Allele origin: germline.

Sema4
Classification: Likely benign for Fanconi anemia. Last evaluated: 2020-10-26. Review status: criteria provided, single submitter. Criteria: Sema4 Curation Guidelines. Collection method: curation. Allele origin: germline.

GeneDx
Classification: Benign. Last evaluated: 2015-03-03. Review status: criteria provided, single submitter. Criteria: GeneDx Variant Classification Process June 2021. Collection method: clinical testing. Allele origin: germline. Affected: yes.

PreventionGenetics, part of Exact Sciences
Classification: Likely benign for FANCC-related condition. Last evaluated: 2023-03-14. Review status: no assertion criteria provided. Collection method: clinical testing. Allele origin: germline. Not counted in ClinVar's aggregate classification.
Comment: This variant is classified as likely benign based on ACMG/AMP sequence variant interpretation guidelines (Richards et al. 2015 PMID: 25741868, with internal and published modifications).